The following is an entry in ClinVar:

ClinVar aggregate classification (germline): Pathogenic (1 of 4 stars; one submission).

Submission:

Labcorp Genetics (formerly Invitae), Labcorp
Classification: Pathogenic. Last evaluated: 2021-11-27. Review status: criteria provided, single submitter. Criteria: Invitae Variant Classification Sherloc (09022015). Collection method: clinical testing. Allele origin: germline.
Comment: This variant is a gross deletion of the genomic region encompassing exon(s) 19 of the PHEX gene. This variant would be expected to be in-frame, preserving the integrity of the reading frame. For these reasons, this variant has been classified as Pathogenic. This variant disrupts the p.Leu640 amino acid residue in PHEX. Other variant(s) that disrupt this residue have been determined to be pathogenic (PMID: 19219621; Invitae). This suggests that this residue is clinically significant, and that variants that disrupt this residue are likely to be disease-causing. A similar copy number variant has been observed in individuals with hypophosphatemia (PMID: 30682568; Invitae).

Literature cited by the submitters: PubMed 19219621; PubMed 30682568.

NC_000023.10:g.(?_22244540)_(22244645_?)del

Gene: PHEX (phosphate regulating endopeptidase X-linked; plus strand). Cytogenetic location: Xp22.11.
Variant type: Deletion.
Identifiers: ClinVar variation 1071853 (VCV001071853.5).